The following is an entry in ClinVar:

NM_005956.4(MTHFD1):c.1388G>A (p.Arg463Gln)

Gene: MTHFD1 (methylenetetrahydrofolate dehydrogenase, cyclohydrolase and formyltetrahydrofolate synthetase 1; plus strand). Cytogenetic location: 14q23.3.
Variant type: single nucleotide variant.
Coding change: c.1388G>A on transcript NM_005956.4 (MANE Select); coding-DNA position 1388, G replaced by A.
Protein change: p.Arg463Gln; replaces arginine 463 with glutamine.
Molecular consequence: missense variant.
Genome position (GRCh38, 1-based): chr14:64,431,608, G>A. VCF-style: chr14-64431608-G-A. GRCh37 (hg19) VCF-style: chr14-64898326-G-A.
Other names: c.1388G>A, p.Arg463Gln (NM_001364837.1); short protein forms R463Q.
Identifiers: ClinVar variation 1486744 (VCV001486744.7), dbSNP rs775703491, ClinGen allele CA7226228.
Genomic context (GRCh38, chr14:64,431,608, plus strand): 5'-CAGGTGACATCCATGCCATCACTGCAGCTAATAACCTCGTTGCTGCGGCCATTGATGCTC[G>A]GATATTTCATGAACTGACCCAGACAGACAAGGTAGGATGCCAAAGCCCCATGAACCCCAT-3'
Protein context (NP_005947.3, residues 453-473): NNLVAAAIDA[Arg463Gln]IFHELTQTDK

ClinVar aggregate classification (germline): Uncertain significance (1 of 4 stars; one submission).

Allele frequency attached by ClinVar (database versions not stated): gnomAD exomes below 0.00001; ExAC 0.00001.
gnomAD v4.1: 5 of 1,613,988 alleles (0.00031%); highest among the groups gnomAD compares: East Asian, 0.0022%; no homozygotes.

Submission:

Labcorp Genetics (formerly Invitae), Labcorp
Classification: Uncertain significance. Last evaluated: 2022-08-09. Review status: criteria provided, single submitter. Criteria: Invitae Variant Classification Sherloc (09022015). Collection method: clinical testing. Allele origin: germline.
Comment: In summary, the available evidence is currently insufficient to determine the role of this variant in disease. Therefore, it has been classified as a Variant of Uncertain Significance. Algorithms developed to predict the effect of sequence changes on RNA splicing suggest that this variant may create or strengthen a splice site. Algorithms developed to predict the effect of missense changes on protein structure and function output the following: SIFT: "Deleterious"; PolyPhen-2: "Benign"; Align-GVGD: "Class C0". The glutamine amino acid residue is found in multiple mammalian species, which suggests that this missense change does not adversely affect protein function. ClinVar contains an entry for this variant (Variation ID: 1486744). This variant has not been reported in the literature in individuals affected with MTHFD1-related conditions. This variant is present in population databases (rs775703491, gnomAD 0.006%). This sequence change replaces arginine, which is basic and polar, with glutamine, which is neutral and polar, at codon 463 of the MTHFD1 protein (p.Arg463Gln).